The following is an entry in ClinVar:

ClinVar aggregate classification (germline): Uncertain significance. Review status: criteria provided, multiple submitters, no conflicts (2 of 4 stars). 3 submissions from 3 submitters: Uncertain significance (3). Last evaluated 2023-02-15.

Conditions:
Autosomal recessive nonsyndromic hearing loss 9. Also called: Deafness, autosomal recessive 9; NEUROSENSORY NONSYNDROMIC RECESSIVE DEAFNESS 9; OTOF-Related Hearing Loss; AUDITORY NEUROPATHY, AUTOSOMAL RECESSIVE, 1, TEMPERATURE-SENSITIVE. Identifiers: Orphanet 90636, MedGen C1832828, MONDO:0010986, OMIM 601071.

Allele frequency attached by ClinVar (database versions not stated): TOPMed 0.00004; ExAC 0.00005; gnomAD 0.00005; gnomAD exomes 0.00007 and 0.00010; ESP Exome Variant Server 0.00023.
gnomAD v4.1: 151 of 1,612,382 alleles (0.0094%); highest among the groups gnomAD compares: Non-Finnish European, 0.012%; 1 homozygote.

Submissions (3):

GeneDx
Classification: Uncertain significance. Last evaluated: 2023-02-15. Review status: criteria provided, single submitter. Criteria: GeneDx Variant Classification Process June 2021. Collection method: clinical testing. Allele origin: germline. Affected: yes.
Comment: Has not been previously published as pathogenic or benign to our knowledge; In silico analysis is inconclusive as to whether the variant alters gene splicing. In the absence of RNA/functional studies, the actual effect of this sequence change is unknown.

Labcorp Genetics (formerly Invitae), Labcorp
Classification: Uncertain significance. Last evaluated: 2022-03-09. Review status: criteria provided, single submitter. Criteria: Invitae Variant Classification Sherloc (09022015). Collection method: clinical testing. Allele origin: germline.
Comment: This sequence change affects codon 320 of the OTOF mRNA. It is a 'silent' change, meaning that it does not change the encoded amino acid sequence of the OTOF protein. This variant also falls at the last nucleotide of exon 10, which is part of the consensus splice site for this exon. This variant is present in population databases (rs141463872, gnomAD 0.01%). This variant has not been reported in the literature in individuals affected with OTOF-related conditions. ClinVar contains an entry for this variant (Variation ID: 335456). Variants that disrupt the consensus splice site are a relatively common cause of aberrant splicing (PMID: 17576681, 9536098). Algorithms developed to predict the effect of sequence changes on RNA splicing suggest that this variant may disrupt the consensus splice site. In summary, the available evidence is currently insufficient to determine the role of this variant in disease. Therefore, it has been classified as a Variant of Uncertain Significance.

Illumina Laboratory Services, Illumina
Classification: Uncertain significance for Autosomal recessive nonsyndromic hearing loss 9. Last evaluated: 2018-01-13. Review status: criteria provided, single submitter. Criteria: ICSL Variant Classification Criteria 13 December 2019. Collection method: clinical testing. Allele origin: germline.

Literature cited by the submitters: PubMed 17576681 (cited by Labcorp Genetics (formerly Invitae), Labcorp); PubMed 9536098 (cited by Labcorp Genetics (formerly Invitae), Labcorp).

NM_194248.3(OTOF):c.960G>A (p.Ser320=)

Gene: OTOF (otoferlin; minus strand). Cytogenetic location: 2p23.3.
Variant type: single nucleotide variant.
Coding change: c.960G>A on transcript NM_194248.3 (MANE Select); coding-DNA position 960, G replaced by A.
Protein change: p.Ser320=; no amino-acid change (serine 320 retained).
Molecular consequence: synonymous variant.
Genome position (GRCh38, 1-based): chr2:26,489,678, C>T on the plus strand (G>A on the coding strand, the complement: OTOF is on the minus strand). VCF-style: chr2-26489678-C-T. GRCh37 (hg19) VCF-style: chr2-26712546-C-T.
Other names: c.960G>A, p.Ser320= (NM_001287489.2).
Identifiers: ClinVar variation 335456 (VCV000335456.8), dbSNP rs141463872, ClinGen allele CA1564444.
Genomic context (GRCh38, chr2:26,489,678, plus strand): 5'-CTGCACAAAGGTGCAGTTTGAGGGAGTGGCCCTGCCGGCCAGGGGCTGCTCCCCACTCAC[C>T]GAAATCTTGATGATCTTGTCAAACATGACATCCGGAGAGACATGGAAGTCGAAGACGAAG-3'
Protein context (NP_919224.1, residues 310-330): DVMFDKIIKI[Ser320=]VIHSKNLLRS